The following is an entry in ClinVar:

ClinVar aggregate classification (germline): Uncertain significance (1 of 4 stars; one submission).

Conditions:
Idiopathic generalized epilepsy. Also called: Generalised epilepsy; EIG. Identifiers: MedGen C0270850, MONDO:0005579, OMIM 600669.
Epilepsy, idiopathic generalized, susceptibility to, 13. Also called: EPILEPSY, JUVENILE MYOCLONIC, SUSCEPTIBILITY TO, 5. Identifiers: Orphanet 307, Orphanet 64280, MedGen C4013473, MONDO:0012627, OMIM 611136.
Epilepsy, childhood absence 4 (ECA4). Also called: EPILEPSY, CHILDHOOD ABSENCE, SUSCEPTIBILITY TO, 4. Identifiers: Orphanet 307, MedGen C1970160.

Submission:

Labcorp Genetics (formerly Invitae), Labcorp
Classification: Uncertain significance for Epilepsy, childhood absence 4; Epilepsy, idiopathic generalized, susceptibility to, 13; Idiopathic generalized epilepsy. Last evaluated: 2025-09-10. Review status: criteria provided, single submitter. Criteria: Invitae Variant Classification Sherloc (09022015). Collection method: clinical testing. Allele origin: germline.
Comment: This sequence change replaces glutamine, which is neutral and polar, with lysine, which is basic and polar, at codon 217 of the GABRA1 protein (p.Gln217Lys). This variant is not present in population databases (gnomAD no frequency). This variant has not been reported in the literature in individuals affected with GABRA1-related conditions. ClinVar contains an entry for this variant (Variation ID: 468878). Invitae Evidence Modeling of protein sequence and biophysical properties (such as structural, functional, and spatial information, amino acid conservation, physicochemical variation, residue mobility, and thermodynamic stability) has been performed for this missense variant. However, the output from this modeling did not meet the statistical confidence thresholds required to predict the impact of this variant on GABRA1 protein function. In summary, the available evidence is currently insufficient to determine the role of this variant in disease. Therefore, it has been classified as a Variant of Uncertain Significance.

NM_001127644.2(GABRA1):c.649C>A (p.Gln217Lys)

Gene: GABRA1 (gamma-aminobutyric acid type A receptor subunit alpha1; plus strand). Cytogenetic location: 5q34.
Variant type: single nucleotide variant.
Coding change: c.649C>A on transcript NM_001127644.2 (MANE Select); coding-DNA position 649, C replaced by A.
Protein change: p.Gln217Lys; replaces glutamine 217 with lysine.
Molecular consequence: missense variant.
Genome position (GRCh38, 1-based): chr5:161,882,647, C>A. VCF-style: chr5-161882647-C-A. GRCh37 (hg19) VCF-style: chr5-161309653-C-A.
Other names: c.649C>A, p.Gln217Lys (NM_000806.5, NM_001127643.2, NM_001127645.2 and 1 more transcripts); short protein forms Q217K.
Identifiers: ClinVar variation 468878 (VCV000468878.8), dbSNP rs1554086437, ClinGen allele CA362179579.